The following is an entry in ClinVar:

ClinVar aggregate classification (germline): Uncertain significance (1 of 4 stars; one submission).

Submission:

Dasa
Classification: Uncertain significance. Last evaluated: 2025-10-10. Review status: criteria provided, single submitter. Criteria: DASA Assertion Criteria. Collection method: clinical testing. Allele origin: germline.
Comment: NM_001303256.3(MORC2):c.237del (p.Ser80Valfs*2) is a frameshift variant in MORC2 predicted to alter the reading frame and introduce a premature termination codon. This variant is absent from population databases. The currently available literature and clinical evidence are not sufficient to establish a definitive association between this variant and the reported condition. Therefore, this variant is classified as a variant of uncertain significance.

NM_001303256.3(MORC2):c.237del (p.Ser80fs)

Gene: MORC2 (MORC family CW-type zinc finger 2; minus strand). Cytogenetic location: 22q12.2.
Variant type: Deletion.
Coding change: c.237del on transcript NM_001303256.3 (MANE Select); coding-DNA position 237, one base deleted (C; older notation c.237delC).
Protein change: p.Ser80fs; shifts the reading frame from serine 80.
Molecular consequence: frameshift variant.
Genome position (GRCh38, 1-based): chr22:30,949,832, G deleted on the plus strand (C on the coding strand, the reverse complement: MORC2 is on the minus strand); the first of 2 consecutive G bases (chr22:30,949,832-30,949,833); deleting either gives the same sequence. VCF-style (leftmost placement, unchanged base first): chr22-30949831-TG-T. GRCh37 (hg19) VCF-style: chr22-31345817-TG-T.
Other names: c.237del, p.Ser80fs (NM_001303257.2); c.51del, p.Ser18fs (NM_014941.3); short protein forms S18fs, S80fs.
Identifiers: ClinVar variation 4883957 (VCV004883957.2).